The following is an entry in ClinVar:

NM_000321.3(RB1):c.913C>G (p.Leu305Val)

Gene: RB1 (RB transcriptional corepressor 1; plus strand). Cytogenetic location: 13q14.2.
Variant type: single nucleotide variant.
Coding change: c.913C>G on transcript NM_000321.3 (MANE Select); coding-DNA position 913, C replaced by G.
Protein change: p.Leu305Val; replaces leucine 305 with valine.
Molecular consequence: missense variant.
Genome position (GRCh38, 1-based): chr13:48,364,945, C>G. VCF-style: chr13-48364945-C-G. GRCh37 (hg19) VCF-style: chr13-48939081-C-G.
Other names: c.913C>G, p.Leu305Val (NM_001407165.1, NM_001407166.1); short protein forms L305V.
Identifiers: ClinVar variation 2077087 (VCV002077087.4), dbSNP rs1292944238, ClinGen allele CA388160018.
Genomic context (GRCh38, chr13:48,364,945, plus strand): 5'-CTTTTTCAGGTGAAAAATGTTTATTTCAAAAATTTTATACCTTTTATGAATTCTCTTGGA[C>G]TTGTAACATCTAATGGACTTCCAGAGGTAATCTGAAAGGAAATTTAATAAAATATTAATG-3'
Protein context (NP_000312.2, residues 295-315): NFIPFMNSLG[Leu305Val]VTSNGLPEVE

ClinVar aggregate classification (germline): Uncertain significance (1 of 4 stars; one submission).

Conditions:
Retinoblastoma (RB1). Also called: RETINOBLASTOMA, SOMATIC. Identifiers: Orphanet 790, MedGen C0035335, MeSH D012175, MONDO:0008380, OMIM 180200, HP:0009919. Disease mechanism: loss of function. Inheritance: Both sporadic and heritable forms are tested..

Submission:

Labcorp Genetics (formerly Invitae), Labcorp
Classification: Uncertain significance for Retinoblastoma. Last evaluated: 2022-10-04. Review status: criteria provided, single submitter. Criteria: Invitae Variant Classification Sherloc (09022015). Collection method: clinical testing. Allele origin: germline.
Comment: In summary, the available evidence is currently insufficient to determine the role of this variant in disease. Therefore, it has been classified as a Variant of Uncertain Significance. This variant has not been reported in the literature in individuals affected with RB1-related conditions. Advanced modeling of protein sequence and biophysical properties (such as structural, functional, and spatial information, amino acid conservation, physicochemical variation, residue mobility, and thermodynamic stability) performed at Invitae indicates that this missense variant is not expected to disrupt RB1 protein function. This sequence change replaces leucine, which is neutral and non-polar, with valine, which is neutral and non-polar, at codon 305 of the RB1 protein (p.Leu305Val). This variant is not present in population databases (gnomAD no frequency).